The following is an entry in ClinVar:

NM_000038.6(APC):c.4563A>T (p.Glu1521Asp)

Gene: APC (APC regulator of Wnt signaling pathway; plus strand). Cytogenetic location: 5q22.2.
Variant type: single nucleotide variant.
Coding change: c.4563A>T on transcript NM_000038.6 (MANE Select); coding-DNA position 4563, A replaced by T.
Protein change: p.Glu1521Asp; replaces glutamic acid 1521 with aspartic acid.
Molecular consequence: missense variant. On other transcripts: non-coding transcript variant (2).
Genome position (GRCh38, 1-based): chr5:112,840,157, A>T. VCF-style: chr5-112840157-A-T. GRCh37 (hg19) VCF-style: chr5-112175854-A-T.
Other names: c.4563A>T, p.Glu1521Asp (NM_001127510.3, NM_001354895.2, NM_001407450.1); c.4509A>T, p.Glu1503Asp (NM_001127511.3); c.4617A>T, p.Glu1539Asp (NM_001354896.2, NM_001407447.1, NM_001407448.1 and 1 more transcripts); c.4593A>T, p.Glu1531Asp (NM_001354897.2); c.4488A>T, p.Glu1496Asp (NM_001354898.2); c.4479A>T, p.Glu1493Asp (NM_001354899.2); c.4440A>T, p.Glu1480Asp (NM_001354900.2); c.4386A>T, p.Glu1462Asp (NM_001354901.2, NM_001407453.1); and 11 more; short protein forms E1392D, E1430D, E1438D, E1514D, E1238D, E1395D, E1462D, E1496D.
Identifiers: ClinVar variation 5025600 (VCV005025600.1).

ClinVar aggregate classification (germline): Uncertain significance (1 of 4 stars; one submission).

Conditions:
Hereditary cancer-predisposing syndrome. Also called: Neoplastic Syndromes, Hereditary; Tumor predisposition; Hereditary neoplastic syndrome; Hereditary Cancer Syndrome. Identifiers: Orphanet 140162, MedGen C0027672, MeSH D009386, MONDO:0015356.

Submission:

Ambry Genetics
Classification: Uncertain significance for Hereditary cancer-predisposing syndrome. Last evaluated: 2026-07-27. Review status: criteria provided, single submitter. Criteria: Ambry Variant Classification Scheme 2023. Collection method: clinical testing. Allele origin: germline.
Comment: The p.E1521D variant (also known as c.4563A>T), located in coding exon 15 of the APC gene, results from an A to T substitution at nucleotide position 4563. The glutamic acid at codon 1521 is replaced by aspartic acid, an amino acid with highly similar properties. This amino acid position is conserved. In addition, in silico predictors for this gene do not accurately predict pathogenicity. Based on the available evidence, the clinical significance of this variant remains unclear.